The following is an entry in ClinVar:

NM_030665.4(RAI1):c.4352G>C (p.Gly1451Ala)

Gene: RAI1 (retinoic acid induced 1; plus strand). Cytogenetic location: 17p11.2.
Variant type: single nucleotide variant.
Coding change: c.4352G>C on transcript NM_030665.4 (MANE Select); coding-DNA position 4352, G replaced by C.
Protein change: p.Gly1451Ala; replaces glycine 1451 with alanine.
Molecular consequence: missense variant.
Genome position (GRCh38, 1-based): chr17:17,797,300, G>C. VCF-style: chr17-17797300-G-C. GRCh37 (hg19) VCF-style: chr17-17700614-G-C.
Other names: short protein forms G1451A.
Identifiers: ClinVar variation 1369651 (VCV001369651.8), dbSNP rs2143002993, ClinGen allele CA398556436.

ClinVar aggregate classification (germline): Uncertain significance (1 of 4 stars; one submission).

Submission:

Labcorp Genetics (formerly Invitae), Labcorp
Classification: Uncertain significance. Last evaluated: 2023-08-04. Review status: criteria provided, single submitter. Criteria: Invitae Variant Classification Sherloc (09022015). Collection method: clinical testing. Allele origin: germline.
Comment: In summary, the available evidence is currently insufficient to determine the role of this variant in disease. Therefore, it has been classified as a Variant of Uncertain Significance. Advanced modeling of protein sequence and biophysical properties (such as structural, functional, and spatial information, amino acid conservation, physicochemical variation, residue mobility, and thermodynamic stability) performed at Invitae indicates that this missense variant is not expected to disrupt RAI1 protein function. ClinVar contains an entry for this variant (Variation ID: 1369651). This variant has not been reported in the literature in individuals affected with RAI1-related conditions. This variant is not present in population databases (gnomAD no frequency). This sequence change replaces glycine, which is neutral and non-polar, with alanine, which is neutral and non-polar, at codon 1451 of the RAI1 protein (p.Gly1451Ala).